The following is an entry in ClinVar:

ClinVar aggregate classification (germline): Conflicting classifications of pathogenicity. Review status: criteria provided, conflicting classifications (1 of 4 stars). 3 submissions from 3 submitters: Uncertain significance (1); Benign (1). 1 of the submissions does not count toward it. Last evaluated 2024-04-22.

Conditions:
SCNN1A-related disorder. Also called: SCNN1A-related condition; SCNN1A-related disorders.
Pseudohypoaldosteronism, type IB1, autosomal recessive. Also called: Pseudohypoaldosteronism, Type I, Recessive; PHA I, AUTOSOMAL RECESSIVE; Pseudohypoaldosteronism, Type I, Autosomal Recessive; Autosomal recessive pseudohypoaldosteronism type 1. Identifiers: Orphanet 171876, Orphanet 756, MedGen C5774176, MONDO:0009917, OMIM 264350.
Liddle syndrome 3. Identifiers: MedGen C4748292, MONDO:0029132, OMIM 618126.
Bronchiectasis with or without elevated sweat chloride 2 (BESC2). Identifiers: Orphanet 60033, MedGen C2751666, MONDO:0013087, OMIM 613021.

Allele frequency attached by ClinVar (database versions not stated): TOPMed 0.00002; ExAC 0.00003; gnomAD 0.00003; gnomAD exomes 0.00003 and 0.00005.
gnomAD v4.1: 43 of 1,614,046 alleles (0.0027%); highest among the groups gnomAD compares: East Asian, 0.0067%; no homozygotes.

Submissions (3):

Fulgent Genetics
Classification: Uncertain significance for Pseudohypoaldosteronism, type IB1, autosomal recessive; Bronchiectasis with or without elevated sweat chloride 2; Liddle syndrome 3. Last evaluated: 2024-04-22. Review status: criteria provided, single submitter. Criteria: ACMG Guidelines, 2015. Collection method: clinical testing. Allele origin: germline.

Illumina Laboratory Services, Illumina
Classification: Benign for Bronchiectasis with or without elevated sweat chloride 2. Last evaluated: 2017-08-14. Review status: criteria provided, single submitter. Criteria: ICSL Variant Classification Criteria 13 December 2019. Collection method: clinical testing. Allele origin: germline.
Comment: This variant was observed as part of a predisposition screen in an ostensibly healthy population. A literature search was performed for the gene, cDNA change, and amino acid change (where applicable). No publications were found based on this search. Allele frequency data from public databases was too high to be consistent with this variant causing disease. Therefore, this variant is classified as benign.

PreventionGenetics, part of Exact Sciences
Classification: Uncertain significance for SCNN1A-related condition. Last evaluated: 2024-04-10. Review status: no assertion criteria provided. Collection method: clinical testing. Allele origin: germline. Not counted in ClinVar's aggregate classification.
Comment: The SCNN1A c.1771C>T variant is predicted to result in premature protein termination (p.Arg591*). To our knowledge, this variant has not been reported in the literature. This variant is reported in 0.068% of alleles in individuals of Ashkenazi Jewish descent in gnomAD. While loss of function variants have been reported as causative, the p.Arg591* variant occurs in the last exon of the gene and it is unclear the impact this variant has on protein function. Although we suspect that this variant may be pathogenic, at this time, the clinical significance of this variant is uncertain due to the absence of conclusive functional and genetic evidence.

NM_001038.6(SCNN1A):c.1771C>T (p.Arg591Ter)

Gene: SCNN1A (sodium channel epithelial 1 subunit alpha; minus strand). Cytogenetic location: 12p13.31.
Variant type: single nucleotide variant.
Coding change: c.1771C>T on transcript NM_001038.6 (MANE Select); coding-DNA position 1771, C replaced by T.
Protein change: p.Arg591Ter; replaces arginine 591 with a stop codon.
Molecular consequence: nonsense.
Genome position (GRCh38, 1-based): chr12:6,348,112, G>A on the plus strand (C>T on the coding strand, the complement: SCNN1A is on the minus strand). VCF-style: chr12-6348112-G-A. GRCh37 (hg19) VCF-style: chr12-6457278-G-A.
Other names: c.1840C>T, p.Arg614Ter (NM_001159575.2); c.1948C>T, p.Arg650Ter (NM_001159576.2); short protein forms R591*, R650*, R614*.
Identifiers: ClinVar variation 632197 (VCV000632197.7), dbSNP rs771949339, ClinGen allele CA6405711.